The following is an entry in ClinVar:

ClinVar aggregate classification (germline): Uncertain significance (1 of 4 stars; one submission).

Conditions:
KBG syndrome (KBGS). Also called: ANKRD11-Related KBG Syndrome. Identifiers: Orphanet 2332, MedGen C0220687, MONDO:0007846, OMIM 148050.

Submission:

Labcorp Genetics (formerly Invitae), Labcorp
Classification: Uncertain significance for KBG syndrome. Last evaluated: 2024-11-04. Review status: criteria provided, single submitter. Criteria: Invitae Variant Classification Sherloc (09022015). Collection method: clinical testing. Allele origin: germline.
Comment: This sequence change replaces proline, which is neutral and non-polar, with arginine, which is basic and polar, at codon 1568 of the ANKRD11 protein (p.Pro1568Arg). This variant is not present in population databases (gnomAD no frequency). This variant has not been reported in the literature in individuals affected with ANKRD11-related conditions. Invitae Evidence Modeling of protein sequence and biophysical properties (such as structural, functional, and spatial information, amino acid conservation, physicochemical variation, residue mobility, and thermodynamic stability) indicates that this missense variant is expected to disrupt ANKRD11 protein function with a positive predictive value of 95%. In summary, the available evidence is currently insufficient to determine the role of this variant in disease. Therefore, it has been classified as a Variant of Uncertain Significance.

NM_013275.6(ANKRD11):c.4703C>G (p.Pro1568Arg)

Gene: ANKRD11 (ankyrin repeat domain 11; minus strand). Cytogenetic location: 16q24.3.
Variant type: single nucleotide variant.
Coding change: c.4703C>G on transcript NM_013275.6 (MANE Select); coding-DNA position 4703, C replaced by G.
Protein change: p.Pro1568Arg; replaces proline 1568 with arginine.
Molecular consequence: missense variant.
Genome position (GRCh38, 1-based): chr16:89,281,839, G>C on the plus strand (C>G on the coding strand, the complement: ANKRD11 is on the minus strand). VCF-style: chr16-89281839-G-C. GRCh37 (hg19) VCF-style: chr16-89348247-G-C.
Other names: c.4703C>G, p.Pro1568Arg (NM_001256182.2, NM_001256183.2); short protein forms P1568R.
Identifiers: ClinVar variation 3637141 (VCV003637141.2).
Genomic context (GRCh38, chr16:89,281,839, plus strand): 5'-GACAGCATCCTCTCGAAGCTGGTCATCATCAGGTCGCCGTCCCCCAGGAGCTTCTCCCTG[G>C]GCCTGGCGTCTTTCTTGCCTGGGTCTTTGGATGGCGCTACCTTATCATTCCCGTTGCTCA-3'
Protein context (NP_037407.4, residues 1558-1578): SKDPGKKDAR[Pro1568Arg]REKLLGDGDL